The following is an entry in ClinVar:

ClinVar aggregate classification (germline): Likely benign. Review status: criteria provided, single submitter (1 of 4 stars). 2 submissions from 2 submitters: Likely benign (1). 1 of the submissions does not count toward it. Last evaluated 2020-09-02.

Conditions:
Cohen syndrome (COH1). Also called: Cutis verticis gyrata, retinitis pigmentosa, and sensorineural deafness; PEPPER SYNDROME. Identifiers: Orphanet 193, MedGen C0265223, MONDO:0008999, OMIM 216550.
VPS13B-related disorder. Also called: VPS13B-related condition.

Allele frequency attached by ClinVar (database versions not stated): gnomAD exomes below 0.00001.
gnomAD v4.1: 1 of 1,613,706 alleles (0.000062%); highest among the groups gnomAD compares: East Asian, 0.0022%; no homozygotes.

Submissions (2):

Labcorp Genetics (formerly Invitae), Labcorp
Classification: Likely benign for Cohen syndrome. Last evaluated: 2020-09-02. Review status: criteria provided, single submitter. Criteria: Invitae Variant Classification Sherloc (09022015). Collection method: clinical testing. Allele origin: germline.

PreventionGenetics, part of Exact Sciences
Classification: Likely benign for VPS13B-related condition. Last evaluated: 2024-03-15. Review status: no assertion criteria provided. Collection method: clinical testing. Allele origin: germline. Not counted in ClinVar's aggregate classification.
Comment: This variant is classified as likely benign based on ACMG/AMP sequence variant interpretation guidelines (Richards et al. 2015 PMID: 25741868, with internal and published modifications).

NM_152564.5(VPS13B):c.9579C>T (p.Pro3193=)

Gene: VPS13B (vacuolar protein sorting 13 homolog B; plus strand). Cytogenetic location: 8q22.2.
Variant type: single nucleotide variant.
Coding change: c.9579C>T on transcript NM_152564.5 (MANE Select); coding-DNA position 9579, C replaced by T.
Protein change: p.Pro3193=; no amino-acid change (proline 3193 retained).
Molecular consequence: synonymous variant.
Genome position (GRCh38, 1-based): chr8:99,832,617, C>T. VCF-style: chr8-99832617-C-T. GRCh37 (hg19) VCF-style: chr8-100844845-C-T.
Other names: c.9654C>T, p.Pro3218= (NM_017890.5); c.9579C>T (NM_152564.4).
Identifiers: ClinVar variation 1113695 (VCV001113695.10), dbSNP rs2130858423, ClinGen allele CA462458028.